The following is an entry in ClinVar:

NM_018941.4(CLN8):c.186C>T (p.Val62=)

Gene: CLN8 (CLN8 transmembrane ER and ERGIC protein; plus strand). Cytogenetic location: 8p23.3.
Variant type: single nucleotide variant.
Coding change: c.186C>T on transcript NM_018941.4 (MANE Select); coding-DNA position 186, C replaced by T.
Protein change: p.Val62=; no amino-acid change (valine 62 retained).
Molecular consequence: synonymous variant.
Genome position (GRCh38, 1-based): chr8:1,771,240, C>T. VCF-style: chr8-1771240-C-T. GRCh37 (hg19) VCF-style: chr8-1719406-C-T.
Identifiers: ClinVar variation 385223 (VCV000385223.8), dbSNP rs1057522154, ClinGen allele CA16605217.

ClinVar aggregate classification (germline): Likely benign. Review status: criteria provided, multiple submitters, no conflicts (2 of 4 stars). 2 submissions from 2 submitters: Likely benign (2). Last evaluated 2023-07-19.

Conditions:
Neuronal ceroid lipofuscinosis. Also called: Neuronal Ceroid Lipofuscinoses. Identifiers: Orphanet 216, Orphanet 79263, MedGen C0027877, MONDO:0016295. Disease mechanism: loss of function.

Allele frequency attached by ClinVar (database versions not stated): gnomAD 0.00001; TOPMed 0.00002.
gnomAD v4.1: 4 of 1,613,550 alleles (0.00025%); highest among the groups gnomAD compares: African/African-American, 0.0053%; no homozygotes.

Submissions (2):

Labcorp Genetics (formerly Invitae), Labcorp
Classification: Likely benign for Neuronal ceroid lipofuscinosis. Last evaluated: 2023-07-19. Review status: criteria provided, single submitter. Criteria: Invitae Variant Classification Sherloc (09022015). Collection method: clinical testing. Allele origin: germline.

GeneDx
Classification: Likely benign. Last evaluated: 2016-04-06. Review status: criteria provided, single submitter. Criteria: GeneDx Variant Classification (06012015). Collection method: clinical testing. Allele origin: germline. Affected: yes.
Comment: This variant is considered likely benign or benign based on one or more of the following criteria: it is a conservative change, it occurs at a poorly conserved position in the protein, it is predicted to be benign by multiple in silico algorithms, and/or has population frequency not consistent with disease.